The following is an entry in ClinVar:

NM_018082.6(POLR3B):c.1102-747C>T

Gene: POLR3B (RNA polymerase III subunit B; plus strand). Cytogenetic location: 12q23.3.
Variant type: single nucleotide variant.
Coding change: c.1102-747C>T on transcript NM_018082.6 (MANE Select); 747 bases into the intron before coding-DNA position 1102, C replaced by T.
Molecular consequence: intron variant.
Genome position (GRCh38, 1-based): chr12:106,426,450, C>T. VCF-style: chr12-106426450-C-T. GRCh37 (hg19) VCF-style: chr12-106820228-C-T.
Other names: c.928-747C>T (NM_001160708.2).
Identifiers: ClinVar variation 4855231 (VCV004855231.1).

ClinVar aggregate classification (germline): Uncertain significance (1 of 4 stars; one submission).

Conditions:
Leukodystrophy, hypomyelinating, 8, with or without oligodontia and/or hypogonadotropic hypogonadism. Also called: LEUKODYSTROPHY, HYPOMYELINATING, 8, WITH HYPODONTIA AND HYPOGONADOTROPIC HYPOGONADISM; Hypomyelinating leukodystrophy 8 with or without oligodontia and-or hypogonadotropic hypogonadism; Endosteal sclerosis-cerebellar hypoplasia syndrome. Identifiers: Orphanet 85186, Orphanet 88637, MedGen C3280644, MONDO:0013722, OMIM 614381.

gnomAD v4.1: 5 of 151,836 alleles (0.0033%); highest among the groups gnomAD compares: South Asian, 0.083%; no homozygotes.

Submission:

3billion
Classification: Uncertain significance for Leukodystrophy, hypomyelinating, 8, with or without oligodontia and/or hypogonadotropic hypogonadism. Last evaluated: 2025-09-18. Review status: criteria provided, single submitter. Criteria: ACMG Guidelines, 2015. Collection method: clinical testing. Allele origin: germline. Affected: yes.
Comment: The variant is not observed in the gnomAD v4.1.0 dataset. Predicted Consequence/Location: Intron variant In silico tools predict the variant to alter splicing and produce an abnormal transcript [SpliceAI: 0.80 (>=0.2, moderate evidence for spliceogenicity)]. Therefore, this variant is classified as VUS according to the recommendation of ACMG/AMP guideline.